The following is an entry in ClinVar:

ClinVar aggregate classification (germline): Likely benign (1 of 4 stars; one submission).

Conditions:
F8-related disorder. Also called: F8-related condition.

gnomAD v4.1: 212 of 1,049,530 alleles (0.02%); highest among the groups gnomAD compares: Non-Finnish European, 0.028%; no homozygotes.

Submission:

PreventionGenetics, part of Exact Sciences
Classification: Likely benign for F8-related condition. Last evaluated: 2026-09-15. Review status: criteria provided, single submitter. Criteria: ACMG Guidelines, 2015. Collection method: clinical testing. Allele origin: germline.
Comment: This variant is classified as likely benign based on ACMG/AMP sequence variant interpretation guidelines (Richards et al. 2015 PMID: 25741868, with internal and published modifications).

NM_000132.4(F8):c.1904-37G>C

Gene: F8 (coagulation factor VIII; minus strand). Cytogenetic location: Xq28.
Variant type: single nucleotide variant.
Coding change: c.1904-37G>C on transcript NM_000132.4 (MANE Select); 37 bases into the intron before coding-DNA position 1904, G replaced by C.
Molecular consequence: intron variant.
Genome position (GRCh38, 1-based): chrX:154,947,944, C>G on the plus strand (G>C on the coding strand, the complement: F8 is on the minus strand). VCF-style: chrX-154947944-C-G. GRCh37 (hg19) VCF-style: chrX-154176219-C-G.
Identifiers: ClinVar variation 4979400 (VCV004979400.1).